The following is an entry in ClinVar:

ClinVar aggregate classification (germline): Uncertain significance (1 of 4 stars; one submission).

Conditions:
Nemaline myopathy 2 (NEM2). Also called: Nemaline myopathy 2, autosomal recessive. Identifiers: MedGen C1850569, MONDO:0009725, OMIM 256030.

Submission:

Labcorp Genetics (formerly Invitae), Labcorp
Classification: Uncertain significance for Nemaline myopathy 2. Last evaluated: 2021-07-22. Review status: criteria provided, single submitter. Criteria: Invitae Variant Classification Sherloc (09022015). Collection method: clinical testing. Allele origin: germline.
Comment: This sequence change replaces aspartic acid with tyrosine at codon 5781 of the NEB protein (p.Asp5781Tyr). The aspartic acid residue is moderately conserved and there is a large physicochemical difference between aspartic acid and tyrosine. This variant is not present in population databases (ExAC no frequency). This variant has not been reported in the literature in individuals affected with NEB-related conditions. Algorithms developed to predict the effect of missense changes on protein structure and function are either unavailable or do not agree on the potential impact of this missense change (SIFT: "Deleterious"; PolyPhen-2: "Not Available"; Align-GVGD: "Class C0"). In summary, the available evidence is currently insufficient to determine the role of this variant in disease. Therefore, it has been classified as a Variant of Uncertain Significance.

NM_001164508.2(NEB):c.17341G>T (p.Asp5781Tyr)

Gene: NEB (nebulin; minus strand). Cytogenetic location: 2q23.3.
Variant type: single nucleotide variant.
Coding change: c.17341G>T on transcript NM_001164508.2 (MANE Select); coding-DNA position 17341, G replaced by T.
Protein change: p.Asp5781Tyr; replaces aspartic acid 5781 with tyrosine.
Molecular consequence: missense variant.
Genome position (GRCh38, 1-based): chr2:151,570,170, C>A on the plus strand (G>T on the coding strand, the complement: NEB is on the minus strand). VCF-style: chr2-151570170-C-A. GRCh37 (hg19) VCF-style: chr2-152426684-C-A.
Other names: c.17341G>T, p.Asp5781Tyr (NM_001164507.2, NM_001271208.2); c.12238G>T, p.Asp4080Tyr (NM_004543.5); short protein forms D5781Y, D4080Y.
Identifiers: ClinVar variation 1961388 (VCV001961388.2), dbSNP rs897368602, ClinGen allele CA348807683.
Genomic context (GRCh38, chr2:151,570,170, plus strand): 5'-CCTGAATCACATCGTTCTGGTCGGGCATGCAGGTCCACTGGTGCAGGTAATTGCGGTAAT[C>A]CATGTCACTGACCAGAGCCTGGGAATTTTTAGAGTGCAGGATGGAAAGCATGTCCACAGG-3'
Protein context (NP_001157980.2, residues 5771-5791): KNSQALVSDM[Asp5781Tyr]YRNYLHQWTC